The following is an entry in ClinVar:

NM_001148.6(ANK2):c.9931A>G (p.Thr3311Ala)

Gene: ANK2 (ankyrin 2; plus strand). Cytogenetic location: 4q26.
Variant type: single nucleotide variant.
Coding change: c.9931A>G on transcript NM_001148.6 (MANE Select); coding-DNA position 9931, A replaced by G.
Protein change: p.Thr3311Ala; replaces threonine 3311 with alanine.
Molecular consequence: missense variant. On other transcripts: intron variant (68).
Genome position (GRCh38, 1-based): chr4:113,358,549, A>G. VCF-style: chr4-113358549-A-G. GRCh37 (hg19) VCF-style: chr4-114279705-A-G.
Other names: c.9697A>G, p.Thr3233Ala (NM_001386142.1); c.6331A>G, p.Thr2111Ala (NM_001386166.1); c.10072A>G, p.Thr3358Ala (NM_001386174.1); c.10048A>G, p.Thr3350Ala (NM_001386175.1); c.4412-2274A>G (NM_001386186.2, NM_001386148.2); c.4214-2274A>G (NM_001354269.3); c.4292-2274A>G (NM_001386187.2); c.4253-2274A>G (NM_001386147.1); and 35 more; short protein forms T2111A, T3233A, T3311A, T3350A, T3358A.
Identifiers: ClinVar variation 3221029 (VCV003221029.2), dbSNP rs1025917024, ClinGen allele CA103817701.

ClinVar aggregate classification (germline): Uncertain significance. Review status: criteria provided, multiple submitters, no conflicts (2 of 4 stars). 2 submissions from 2 submitters: Uncertain significance (2). Last evaluated 2025-07-08.

Conditions:
Cardiovascular phenotype. Identifiers: MedGen CN230736.
Long QT syndrome (LQTS). Identifiers: MedGen C0023976, MeSH D008133, MONDO:0002442. Disease mechanism: loss of function. Inheritance: Various modes of inheritance.

Allele frequency attached by ClinVar (database versions not stated): TOPMed below 0.00001; gnomAD exomes 0.00001.
gnomAD v4.1: 8 of 1,614,048 alleles (0.0005%); highest among the groups gnomAD compares: South Asian, 0.0011%; no homozygotes.

Submissions (2):

Labcorp Genetics (formerly Invitae), Labcorp
Classification: Uncertain significance for Long QT syndrome. Last evaluated: 2025-07-08. Review status: criteria provided, single submitter. Criteria: Invitae Variant Classification Sherloc (09022015). Collection method: clinical testing. Allele origin: germline.
Comment: This sequence change replaces threonine, which is neutral and polar, with alanine, which is neutral and non-polar, at codon 3311 of the ANK2 protein (p.Thr3311Ala). This variant is present in population databases (no rsID available, gnomAD 0.003%). This variant has not been reported in the literature in individuals affected with ANK2-related conditions. ClinVar contains an entry for this variant (Variation ID: 3221029). An algorithm developed to predict the effect of missense changes on protein structure and function outputs the following: PolyPhen-2: "Benign". The alanine amino acid residue is found in multiple mammalian species, which suggests that this missense change does not adversely affect protein function. In summary, the available evidence is currently insufficient to determine the role of this variant in disease. Therefore, it has been classified as a Variant of Uncertain Significance.

Ambry Genetics
Classification: Uncertain significance for Cardiovascular phenotype. Last evaluated: 2023-10-19. Review status: criteria provided, single submitter. Criteria: Ambry Variant Classification Scheme 2023. Collection method: clinical testing. Allele origin: germline.
Comment: The p.T3311A variant (also known as c.9931A>G), located in coding exon 38 of the ANK2 gene, results from an A to G substitution at nucleotide position 9931. The threonine at codon 3311 is replaced by alanine, an amino acid with similar properties. This amino acid position is conserved. In addition, this alteration is predicted to be tolerated by in silico analysis. Since supporting evidence is limited at this time, the clinical significance of this alteration remains unclear.